The following is an entry in ClinVar:

NM_006514.4(SCN10A):c.231G>A (p.Glu77=)

Gene: SCN10A (sodium voltage-gated channel alpha subunit 10; minus strand). Cytogenetic location: 3p22.2.
Variant type: single nucleotide variant.
Coding change: c.231G>A on transcript NM_006514.4 (MANE Select); coding-DNA position 231, G replaced by A.
Protein change: p.Glu77=; no amino-acid change (glutamic acid 77 retained).
Molecular consequence: synonymous variant.
Genome position (GRCh38, 1-based): chr3:38,793,780, C>T on the plus strand (G>A on the coding strand, the complement: SCN10A is on the minus strand). VCF-style: chr3-38793780-C-T. GRCh37 (hg19) VCF-style: chr3-38835271-C-T.
Other names: c.231G>A, p.Glu77= (NM_001293306.2, NM_001293307.2).
Identifiers: ClinVar variation 1789554 (VCV001789554.9), dbSNP rs200249016, ClinGen allele CA2321279.

ClinVar aggregate classification (germline): Likely benign. Review status: criteria provided, multiple submitters, no conflicts (2 of 4 stars). 2 submissions from 2 submitters: Likely benign (2). Last evaluated 2025-09-01.

Conditions:
Cardiovascular phenotype. Identifiers: MedGen CN230736.

Allele frequency attached by ClinVar (database versions not stated): gnomAD exomes below 0.00001; TOPMed below 0.00001; ExAC 0.00002; gnomAD 0.00002; 1000 Genomes Project 0.00040; 1000 Genomes Project 30x 0.00047.
gnomAD v4.1: 9 of 1,613,878 alleles (0.00056%); highest among the groups gnomAD compares: Admixed American, 0.012%; no homozygotes.

Submissions (2):

CeGaT Center for Human Genetics Tuebingen
Classification: Likely benign. Last evaluated: 2025-09-01. Review status: criteria provided, single submitter. Criteria: CeGaT Center For Human Genetics Tuebingen Variant Classification Criteria Version 2. Collection method: clinical testing. Allele origin: germline. Affected: yes. Observed: 1 variant allele.
Comment: SCN10A: BP4, BP7

Ambry Genetics
Classification: Likely benign for Cardiovascular phenotype. Last evaluated: 2021-04-29. Review status: criteria provided, single submitter. Criteria: Ambry Variant Classification Scheme 2023. Collection method: clinical testing. Allele origin: germline.